The following is an entry in ClinVar:

ClinVar aggregate classification (germline): Benign. Review status: criteria provided, multiple submitters, no conflicts (2 of 4 stars). 3 submissions from 3 submitters: Benign (3). Last evaluated 2025-10-27.

Conditions:
Retinal cone dystrophy 4 (RCD4). Identifiers: Orphanet 1872, MedGen C1864849, MONDO:0012507, OMIM 610478.

Allele frequency attached by ClinVar (database versions not stated): gnomAD below 0.00001 and 0.00046; TOPMed 0.00009; gnomAD exomes 0.00067 and 0.00127; ExAC 0.00163; 1000 Genomes Project 30x 0.00359; 1000 Genomes Project 0.00399.
gnomAD v4.1: 1,071 of 1,612,750 alleles (0.066%); highest among the groups gnomAD compares: South Asian, 1.1%; 16 homozygotes.

Submissions (3):

Labcorp Genetics (formerly Invitae), Labcorp
Classification: Benign. Last evaluated: 2025-10-27. Review status: criteria provided, single submitter. Criteria: Invitae Variant Classification Sherloc (09022015). Collection method: clinical testing. Allele origin: germline.

Illumina Laboratory Services, Illumina
Classification: Benign for Retinal cone dystrophy 4. Last evaluated: 2018-01-13. Review status: criteria provided, single submitter. Criteria: ICSL Variant Classification Criteria 13 December 2019. Collection method: clinical testing. Allele origin: germline.
Comment: This variant was observed in the ICSL laboratory as part of a predisposition screen in an ostensibly healthy population. It had not been previously curated by ICSL or reported in the Human Gene Mutation Database (HGMD: prior to June 1st, 2018), and was therefore a candidate for classification through an automated scoring system. Utilizing variant allele frequency, disease prevalence and penetrance estimates, and inheritance mode, an automated score was calculated to assess if this variant is too frequent to cause the disease. Based on the score and internal cut-off values, a variant classified as benign is not then subjected to further curation. The score for this variant resulted in a classification of benign for this disease.

Eurofins Ntd Llc (ga)
Classification: Benign. Last evaluated: 2015-03-16. Review status: criteria provided, single submitter. Criteria: EGL Classification Definitions 2015. Collection method: clinical testing. Allele origin: germline. Observed: 1 variant allele, 1 heterozygote.

NM_172364.5(CACNA2D4):c.1359C>T (p.Tyr453=)

Gene: CACNA2D4 (calcium voltage-gated channel auxiliary subunit alpha2delta 4; minus strand). Cytogenetic location: 12p13.33.
Variant type: single nucleotide variant.
Coding change: c.1359C>T on transcript NM_172364.5 (MANE Select); coding-DNA position 1359, C replaced by T.
Protein change: p.Tyr453=; no amino-acid change (tyrosine 453 retained).
Molecular consequence: synonymous variant.
Genome position (GRCh38, 1-based): chr12:1,882,993, G>A on the plus strand (C>T on the coding strand, the complement: CACNA2D4 is on the minus strand). VCF-style: chr12-1882993-G-A. GRCh37 (hg19) VCF-style: chr12-1992159-G-A.
Identifiers: ClinVar variation 194285 (VCV000194285.18), dbSNP rs573565912, ClinGen allele CA201097.
Genomic context (GRCh38, chr12:1,882,993, plus strand): 5'-GAGCACGTGCAGGTATTCCATCACGTTCTCCTGGGTGTCCGCCAGCGTTGAGATCTGCGT[G>A]TAGTAGCCTGCGGTGGGGAAGGCCGCGTGGGTGTGGAAGGCAGGGCTTCCCTGGGAACCC-3'
Protein context (NP_758952.4, residues 443-463): KWIACNNKGY[Tyr453=]TQISTLADTQ